The following is an entry in ClinVar:

ClinVar aggregate classification (germline): Uncertain significance. Review status: criteria provided, multiple submitters, no conflicts (2 of 4 stars). 3 submissions from 3 submitters: Uncertain significance (3). Last evaluated 2026-02-24.

Conditions:
NEFH-related disorder. Also called: NEFH-related condition.
Inborn genetic diseases. Identifiers: MedGen C0950123, MeSH D030342.

Allele frequency attached by ClinVar (database versions not stated): gnomAD exomes 0.00002 and 0.00020; gnomAD 0.00006; TOPMed 0.00006.
gnomAD v4.1: 296 of 1,613,168 alleles (0.018%); highest among the groups gnomAD compares: Non-Finnish European, 0.025%; no homozygotes.

Submissions (3):

PreventionGenetics, part of Exact Sciences
Classification: Uncertain significance for NEFH-related condition. Last evaluated: 2026-02-24. Review status: criteria provided, single submitter. Criteria: ACMG Guidelines, 2015. Collection method: clinical testing. Allele origin: germline.
Comment: The NEFH c.2330C>T variant is predicted to result in the amino acid substitution p.Pro777Leu. This variant has been reported in an individual with amyotrophic lateral sclerosis (Shepheard et al. 2021. PubMed ID: 33589474). This variant is reported in 0.0062% of alleles in individuals of European (Non-Finnish) descent in gnomAD. At this time, the clinical significance of this variant is uncertain due to the absence of conclusive functional and genetic evidence.

Labcorp Genetics (formerly Invitae), Labcorp
Classification: Uncertain significance. Last evaluated: 2025-10-03. Review status: criteria provided, single submitter. Criteria: Invitae Variant Classification Sherloc (09022015). Collection method: clinical testing. Allele origin: germline.
Comment: This sequence change replaces proline, which is neutral and non-polar, with leucine, which is neutral and non-polar, at codon 777 of the NEFH protein (p.Pro777Leu). This variant is present in population databases (rs199748453, gnomAD 0.006%). This missense change has been observed in individual(s) with amyotrophic lateral sclerosis (PMID: 33589474). ClinVar contains an entry for this variant (Variation ID: 1422080). An algorithm developed to predict the effect of missense changes on protein structure and function (PolyPhen-2) suggests that this variant is likely to be disruptive. In summary, the available evidence is currently insufficient to determine the role of this variant in disease. Therefore, it has been classified as a Variant of Uncertain Significance.

Ambry Genetics
Classification: Uncertain significance for Inborn genetic diseases. Last evaluated: 2020-01-08. Review status: criteria provided, single submitter. Criteria: Ambry Variant Classification Scheme 2023. Collection method: clinical testing. Allele origin: germline.
Comment: The p.P777L variant (also known as c.2330C>T), located in coding exon 4 of the NEFH gene, results from a C to T substitution at nucleotide position 2330. The proline at codon 777 is replaced by leucine, an amino acid with similar properties. This amino acid position is well conserved in available vertebrate species. In addition, the in silico prediction for this alteration is inconclusive. Since supporting evidence is limited at this time, the clinical significance of this alteration remains unclear.

Literature cited by the submitters: PubMed 33589474 (cited by Labcorp Genetics (formerly Invitae), Labcorp).

NM_021076.4(NEFH):c.2330C>T (p.Pro777Leu)

Gene: NEFH (neurofilament heavy chain; plus strand). Cytogenetic location: 22q12.2.
Variant type: single nucleotide variant.
Coding change: c.2330C>T on transcript NM_021076.4 (MANE Select); coding-DNA position 2330, C replaced by T.
Protein change: p.Pro777Leu; replaces proline 777 with leucine.
Molecular consequence: missense variant.
Genome position (GRCh38, 1-based): chr22:29,489,970, C>T. VCF-style: chr22-29489970-C-T. GRCh37 (hg19) VCF-style: chr22-29885959-C-T.
Other names: short protein forms P777L.
Identifiers: ClinVar variation 1422080 (VCV001422080.9), dbSNP rs199748453, ClinGen allele CA323088830.
Genomic context (GRCh38, chr22:29,489,970, plus strand): 5'-AGACTCTTGATGTGAAGTCTCCAGAAGCCAAGACTCCAGCGAAGGAGGAAGCAAGGTCCC[C>T]TGCAGACAAATTCCCTGAAAAGGCCAAAAGCCCTGTCAAGGAGGAGGTCAAGTCCCCAGA-3'
Protein context (NP_066554.2, residues 767-787): KTPAKEEARS[Pro777Leu]ADKFPEKAKS